The following is an entry in ClinVar:

NM_001103.4(ACTN2):c.1975-14C>G

Gene: ACTN2 (actinin alpha 2; plus strand). Cytogenetic location: 1q43.
Variant type: single nucleotide variant.
Coding change: c.1975-14C>G on transcript NM_001103.4 (MANE Select); 14 bases into the intron before coding-DNA position 1975, C replaced by G.
Molecular consequence: intron variant.
Genome position (GRCh38, 1-based): chr1:236,755,005, C>G. VCF-style: chr1-236755005-C-G. GRCh37 (hg19) VCF-style: chr1-236918305-C-G.
Other names: c.1975-14C>G (NM_001278343.2).
Identifiers: ClinVar variation 4786158 (VCV004786158.1).
Genomic context (GRCh38, chr1:236,755,005, plus strand): 5'-GCGCCTCGTGCCGAGCTCCCTTAGAGGGCACTTCACTCTGCTTCTCTCTCTGCTTGCTCA[C>G]TCGCCCCCCTCAGGAGATTGCCCGGAGCTCCATCCAGATCACAGGAGCCCTGGAAGACCA-3'

ClinVar aggregate classification (germline): Uncertain significance (1 of 4 stars; one submission).

Conditions:
Primary familial hypertrophic cardiomyopathy (HCM). Identifiers: Orphanet 99739, MedGen C0949658, MeSH D024741, MONDO:0024573. Inheritance: Various modes of inheritance.
Dilated cardiomyopathy 1AA (CMD1AA). Also called: CARDIOMYOPATHY, DILATED, 1AA, WITH OR WITHOUT LEFT VENTRICULAR NONCOMPACTION; CARDIOMYOPATHY, FAMILIAL HYPERTROPHIC, 23, WITH OR WITHOUT LEFT VENTRICULAR NONCOMPACTION; Cardiomyopathy, dilated, 1AA, with or without LVNC. Identifiers: Orphanet 154, MedGen C2677338, MONDO:0012808, OMIM 612158.

gnomAD v4.1: 1 of 1,614,144 alleles (0.000062%); highest among the groups gnomAD compares: Non-Finnish European, 0.000085%; no homozygotes.

Submission:

Labcorp Genetics (formerly Invitae), Labcorp
Classification: Uncertain significance for Primary familial hypertrophic cardiomyopathy; Dilated cardiomyopathy 1AA. Last evaluated: 2025-06-03. Review status: criteria provided, single submitter. Criteria: Invitae Variant Classification Sherloc (09022015). Collection method: clinical testing. Allele origin: germline.
Comment: This sequence change falls in intron 16 of the ACTN2 gene. It does not directly change the encoded amino acid sequence of the ACTN2 protein. This variant is not present in population databases (gnomAD no frequency). This variant has not been reported in the literature in individuals affected with ACTN2-related conditions. Algorithms developed to predict the effect of sequence changes on RNA splicing suggest that this variant may disrupt the consensus splice site. In summary, the available evidence is currently insufficient to determine the role of this variant in disease. Therefore, it has been classified as a Variant of Uncertain Significance.